The following is an entry in ClinVar:

NM_001288705.3(CSF1R):c.2839T>C (p.Ser947Pro)

Gene: CSF1R (colony stimulating factor 1 receptor; minus strand). Cytogenetic location: 5q32.
Variant type: single nucleotide variant.
Coding change: c.2839T>C on transcript NM_001288705.3 (MANE Select); coding-DNA position 2839, T replaced by C.
Protein change: p.Ser947Pro; replaces serine 947 with proline.
Molecular consequence: missense variant. On other transcripts: non-coding transcript variant (2).
Genome position (GRCh38, 1-based): chr5:150,054,149, A>G on the plus strand (T>C on the coding strand, the complement: CSF1R is on the minus strand). VCF-style: chr5-150054149-A-G. GRCh37 (hg19) VCF-style: chr5-149433712-A-G.
Other names: c.2839T>C, p.Ser947Pro (NM_001349736.2, NM_001375320.1, NM_005211.4); c.2395T>C, p.Ser799Pro (NM_001375321.1); short protein forms S799P, S947P.
Identifiers: ClinVar variation 2662177 (VCV002662177.1), dbSNP rs923332469, ClinGen allele CA129100768.

ClinVar aggregate classification (germline): Uncertain significance (1 of 4 stars; one submission).

Allele frequency attached by ClinVar (database versions not stated): gnomAD exomes below 0.00001; TOPMed 0.00001; gnomAD 0.00002.
gnomAD v4.1: 4 of 1,613,596 alleles (0.00025%); highest among the groups gnomAD compares: African/African-American, 0.0053%; no homozygotes.

Submission:

GeneDx
Classification: Uncertain significance. Last evaluated: 2023-04-05. Review status: criteria provided, single submitter. Criteria: GeneDx Variant Classification Process June 2021. Collection method: clinical testing. Allele origin: germline. Affected: yes.
Comment: In silico analysis supports that this missense variant does not alter protein structure/function; Has not been previously published as pathogenic or benign to our knowledge